The following is an entry in ClinVar:

NM_005883.3(APC2):c.3673G>A (p.Glu1225Lys)

Gene: APC2 (APC regulator of Wnt signaling pathway 2; plus strand). Cytogenetic location: 19p13.3.
Variant type: single nucleotide variant.
Coding change: c.3673G>A on transcript NM_005883.3 (MANE Select); coding-DNA position 3673, G replaced by A.
Protein change: p.Glu1225Lys; replaces glutamic acid 1225 with lysine.
Molecular consequence: missense variant.
Genome position (GRCh38, 1-based): chr19:1,466,974, G>A. VCF-style: chr19-1466974-G-A. GRCh37 (hg19) VCF-style: chr19-1466973-G-A.
Other names: c.3670G>A, p.Glu1224Lys (NM_001351273.1); c.3673G>A (NM_005883.2); short protein forms E1224K, E1225K.
Identifiers: ClinVar variation 1993580 (VCV001993580.4), dbSNP rs372608216, ClinGen allele CA9045720.

ClinVar aggregate classification (germline): Uncertain significance. Review status: criteria provided, multiple submitters, no conflicts (2 of 4 stars). 2 submissions from 2 submitters: Uncertain significance (2). Last evaluated 2025-03-03.

Conditions:
Inborn genetic diseases. Identifiers: MedGen C0950123, MeSH D030342.

Allele frequency attached by ClinVar (database versions not stated): ESP Exome Variant Server 0.00008; gnomAD exomes 0.00004; ExAC 0.00003; gnomAD 0.00001; TOPMed 0.00003.
gnomAD v4.1: 64 of 1,606,790 alleles (0.004%); highest among the groups gnomAD compares: Non-Finnish European, 0.0053%; no homozygotes.

Submissions (2):

Ambry Genetics
Classification: Uncertain significance for Inborn genetic diseases. Last evaluated: 2025-03-03. Review status: criteria provided, single submitter. Criteria: Ambry Variant Classification Scheme 2023. Collection method: clinical testing. Allele origin: germline.

Labcorp Genetics (formerly Invitae), Labcorp
Classification: Uncertain significance. Last evaluated: 2025-02-24. Review status: criteria provided, single submitter. Criteria: Invitae Variant Classification Sherloc (09022015). Collection method: clinical testing. Allele origin: germline.
Comment: This sequence change replaces glutamic acid, which is acidic and polar, with lysine, which is basic and polar, at codon 1225 of the APC2 protein (p.Glu1225Lys). This variant is present in population databases (rs372608216, gnomAD 0.006%). This variant has not been reported in the literature in individuals affected with APC2-related conditions. ClinVar contains an entry for this variant (Variation ID: 1993580). Invitae Evidence Modeling of protein sequence and biophysical properties (such as structural, functional, and spatial information, amino acid conservation, physicochemical variation, residue mobility, and thermodynamic stability) indicates that this missense variant is not expected to disrupt APC2 protein function with a negative predictive value of 80%. In summary, the available evidence is currently insufficient to determine the role of this variant in disease. Therefore, it has been classified as a Variant of Uncertain Significance.